The following is an entry in ClinVar:

ClinVar aggregate classification (germline): Uncertain significance (1 of 4 stars; one submission).

Conditions:
Familial adenomatous polyposis 1 (FAP1). Also called: FAMILIAL ADENOMATOUS POLYPOSIS 1, ATTENUATED; POLYPOSIS, ADENOMATOUS INTESTINAL. Identifiers: MedGen C2713442, MONDO:0021056, OMIM 175100. Disease mechanism: loss of function.

Submission:

Labcorp Genetics (formerly Invitae), Labcorp
Classification: Uncertain significance for Familial adenomatous polyposis 1. Last evaluated: 2024-03-22. Review status: criteria provided, single submitter. Criteria: Invitae Variant Classification Sherloc (09022015). Collection method: clinical testing. Allele origin: germline.
Comment: This sequence change replaces methionine, which is neutral and non-polar, with isoleucine, which is neutral and non-polar, at codon 1525 of the APC protein (p.Met1525Ile). This variant is not present in population databases (gnomAD no frequency). This variant has not been reported in the literature in individuals affected with APC-related conditions. Advanced modeling of protein sequence and biophysical properties (such as structural, functional, and spatial information, amino acid conservation, physicochemical variation, residue mobility, and thermodynamic stability) performed at Invitae indicates that this missense variant is not expected to disrupt APC protein function with a negative predictive value of 95%. In summary, the available evidence is currently insufficient to determine the role of this variant in disease. Therefore, it has been classified as a Variant of Uncertain Significance.

NM_000038.6(APC):c.4575G>C (p.Met1525Ile)

Gene: APC (APC regulator of Wnt signaling pathway; plus strand). Cytogenetic location: 5q22.2.
Variant type: single nucleotide variant.
Coding change: c.4575G>C on transcript NM_000038.6 (MANE Select); coding-DNA position 4575, G replaced by C.
Protein change: p.Met1525Ile; replaces methionine 1525 with isoleucine.
Molecular consequence: missense variant. On other transcripts: non-coding transcript variant (2).
Genome position (GRCh38, 1-based): chr5:112,840,169, G>C. VCF-style: chr5-112840169-G-C. GRCh37 (hg19) VCF-style: chr5-112175866-G-C.
Other names: c.4302G>C, p.Met1434Ile (NM_001354902.2); c.4272G>C, p.Met1424Ile (NM_001354903.2, NM_001407458.1, NM_001407459.1 and 1 more transcripts); c.4197G>C, p.Met1399Ile (NM_001354904.2); c.4095G>C, p.Met1365Ile (NM_001354905.2); c.3726G>C, p.Met1242Ile (NM_001354906.2, NM_001407470.1); c.4659G>C, p.Met1553Ile (NM_001407446.1); c.4629G>C, p.Met1543Ile (NM_001407447.1, NM_001407448.1, NM_001407449.1 and 1 more transcripts); c.4575G>C, p.Met1525Ile (NM_001407450.1, NM_001127510.3, NM_001354895.2); and 11 more; short protein forms M1365I, M1500I, M1424I, M1442I, M1497I, M1535I, M1553I, M1141I.
Identifiers: ClinVar variation 3635470 (VCV003635470.2).